The following is an entry in ClinVar:

NM_001145358.2(SIN3A):c.819A>G (p.Ala273=)

Gene: SIN3A (SIN3 transcription regulator family member A; minus strand). Cytogenetic location: 15q24.2.
Variant type: single nucleotide variant.
Coding change: c.819A>G on transcript NM_001145358.2 (MANE Select); coding-DNA position 819, A replaced by G.
Protein change: p.Ala273=; no amino-acid change (alanine 273 retained).
Molecular consequence: synonymous variant.
Genome position (GRCh38, 1-based): chr15:75,411,681, T>C on the plus strand (A>G on the coding strand, the complement: SIN3A is on the minus strand). VCF-style: chr15-75411681-T-C. GRCh37 (hg19) VCF-style: chr15-75704022-T-C.
Other names: c.819A>G, p.Ala273= (NM_001145357.2, NM_001437462.1, NM_001437463.1 and 1 more transcripts).
Identifiers: ClinVar variation 4693378 (VCV004693378.5).
Genomic context (GRCh38, chr15:75,411,681, plus strand): 5'-GGCCGTTCCCAACGAGATTGTCACTGGTGTGTGAGGCTGGACCGGCGGAGAACGTGGGGA[T>C]GCATACGGTGGAAGTGGGGGAGTCTGCTGACTGGCCGGAGTATGTGCTTGCAGTTGGGAG-3'
Protein context (NP_001138830.1, residues 263-283): SQQTPPLPPY[Ala273=]SPRSPPVQPH

ClinVar aggregate classification (germline): Likely benign. Review status: criteria provided, multiple submitters, no conflicts (2 of 4 stars). 2 submissions from 2 submitters: Likely benign (2). Last evaluated 2026-08-01.

gnomAD v4.1: 8 of 1,613,836 alleles (0.0005%); highest among the groups gnomAD compares: Admixed American, 0.012%; no homozygotes.

Submissions (2):

CeGaT Center for Human Genetics Tuebingen
Classification: Likely benign. Last evaluated: 2026-08-01. Review status: criteria provided, single submitter. Criteria: CeGaT Center For Human Genetics Tuebingen Variant Classification Criteria Version 2. Collection method: clinical testing. Allele origin: germline. Affected: yes. Observed: 2 variant alleles.
Comment: SIN3A: BP4, BP7

Labcorp Genetics (formerly Invitae), Labcorp
Classification: Likely benign. Last evaluated: 2025-08-15. Review status: criteria provided, single submitter. Criteria: Invitae Variant Classification Sherloc (09022015). Collection method: clinical testing. Allele origin: germline.